The following is an entry in ClinVar:

ClinVar aggregate classification (germline): Conflicting classifications of pathogenicity. Review status: criteria provided, conflicting classifications (1 of 4 stars). 8 submissions from 8 submitters: Uncertain significance (4); Likely benign (2). 2 of the submissions do not count toward it. Last evaluated 2026-08-12.

Conditions:
BBS1-related disorder. Also called: BBS1-related condition.
Bardet-Biedl syndrome (BBS). Identifiers: Orphanet 110, MedGen C0752166, MONDO:0015229.
Bardet-Biedl syndrome 1 (BBS1). Identifiers: MedGen C2936862, MONDO:0008854, OMIM 209900. Disease mechanism: loss of function.

Allele frequency attached by ClinVar (database versions not stated): gnomAD exomes 0.00007 and 0.00020; ExAC 0.00025; 1000 Genomes Project 30x 0.00078; 1000 Genomes Project 0.00080; gnomAD 0.00090 and 0.00096; TOPMed 0.00097; ESP Exome Variant Server 0.00092.
gnomAD v4.1: 248 of 1,614,216 alleles (0.015%); highest among the groups gnomAD compares: African/African-American, 0.3%; no homozygotes.

Submissions (8):

GeneDx
Classification: Uncertain significance. Last evaluated: 2026-08-12. Review status: criteria provided, single submitter. Criteria: GeneDx Variant Classification Process June 2021. Collection method: clinical testing. Allele origin: germline.
Comment: Reported along with a second variant in the BBS1 gene in a patient with congenital heart disease in the published literature; however, evidence in support of pathogenicity for this variant was not provided in the report (PMID: 28991257); In silico analysis supports that this missense variant has a deleterious effect on protein structure/function; This variant is associated with the following publications: (PMID: 34426522, 28991257)

Labcorp Genetics (formerly Invitae), Labcorp
Classification: Likely benign for Bardet-Biedl syndrome. Last evaluated: 2026-01-25. Review status: criteria provided, single submitter. Criteria: Invitae Variant Classification Sherloc (09022015). Collection method: clinical testing. Allele origin: germline.

Blueprint Genetics
Classification: Likely benign. Last evaluated: 2024-10-22. Review status: criteria provided, single submitter. Criteria: ACMG Guidelines, 2015. Collection method: clinical testing. Allele origin: germline.

New York Genome Center
Classification: Uncertain significance for Bardet-Biedl syndrome 1. Last evaluated: 2021-06-30. Review status: criteria provided, single submitter. Criteria: NYGC Assertion Criteria 2020. Collection method: clinical testing. Allele origin: germline. Observed: 1 heterozygote.

Genetic Services Laboratory, University of Chicago
Classification: Uncertain significance. Last evaluated: 2016-12-18. Review status: criteria provided, single submitter. Criteria: ACMG Guidelines, 2015. Collection method: clinical testing. Allele origin: germline. Affected: no.

Eurofins Ntd Llc (ga)
Classification: Uncertain significance. Last evaluated: 2016-10-15. Review status: criteria provided, single submitter. Criteria: EGL Classification Definitions 2015. Collection method: clinical testing. Allele origin: germline. Observed: 1 variant allele, 1 heterozygote.

Natera, Inc.
Classification: Likely benign for Bardet-Biedl syndrome type 1. Last evaluated: 2020-04-14. Review status: no assertion criteria provided. Collection method: clinical testing. Allele origin: germline. Not counted in ClinVar's aggregate classification.

PreventionGenetics, part of Exact Sciences
Classification: Likely benign for BBS1-related condition. Last evaluated: 2020-01-17. Review status: no assertion criteria provided. Collection method: clinical testing. Allele origin: germline. Not counted in ClinVar's aggregate classification.
Comment: This variant is classified as likely benign based on ACMG/AMP sequence variant interpretation guidelines (Richards et al. 2015 PMID: 25741868, with internal and published modifications).

NM_024649.5(BBS1):c.1181G>A (p.Gly394Asp)

Genes: ZDHHC24 (zDHHC palmitoyltransferase 24; minus strand), BBS1 (Bardet-Biedl syndrome 1; plus strand). Cytogenetic location: 11q13.2.
Variant type: single nucleotide variant.
Coding change: c.1181G>A on transcript NM_024649.5 (MANE Select); coding-DNA position 1181, G replaced by A.
Protein change: p.Gly394Asp; replaces glycine 394 with aspartic acid.
Molecular consequence: missense variant. On other transcripts: intron variant (1).
Genome position (GRCh38, 1-based): chr11:66,526,649, G>A. VCF-style: chr11-66526649-G-A. GRCh37 (hg19) VCF-style: chr11-66294120-G-A.
Other names: c.*21+287C>T (NM_001348571.2); short protein forms G394D.
Identifiers: ClinVar variation 434479 (VCV000434479.27), dbSNP rs141528309, ClinGen allele CA6123669.
Genomic context (GRCh38, chr11:66,526,649, plus strand): 5'-GAATGGGAATGTGGGTAGAACTGGGGAGGACAAATCCATTTCCACTGTCCACTTCCCTAG[G>A]TGGTGGCCTGATCATCAAGATCCTGAAGCGTACAGCAGTGTTTGTAGAGGGAGGAAGTGA-3'
Protein context (NP_078925.3, residues 384-404): EDNTLIMTTR[Gly394Asp]GGLIIKILKR